The following is an entry in ClinVar:

NM_014991.6(WDFY3):c.10491_10496delinsAAAAA (p.Ile3499fs)

Gene: WDFY3 (WD repeat and FYVE domain containing 3; minus strand). Cytogenetic location: 4q21.23.
Variant type: Indel.
Coding change: c.10491_10496delinsAAAAA on transcript NM_014991.6 (MANE Select); coding-DNA positions 10491 to 10496, GAAAAT replaced by AAAAA.
Protein change: p.Ile3499fs; shifts the reading frame from isoleucine 3499.
Molecular consequence: frameshift variant.
Genome position (GRCh38, 1-based): chr4:84,672,953-84,672,958, ATTTTC replaced by TTTTT on the plus strand (GAAAAT replaced by AAAAA on the coding strand, the reverse complement: WDFY3 is on the minus strand). VCF-style: chr4-84672953-ATTTTC-TTTTT. GRCh37 (hg19) VCF-style: chr4-85594106-ATTTTC-TTTTT.
Other names: short protein forms I3499fs.
Identifiers: ClinVar variation 1708789 (VCV001708789.4), dbSNP rs2530163067, ClinGen allele CA2580071870.

ClinVar aggregate classification (germline): Uncertain significance (1 of 4 stars; one submission).

Submission:

GeneDx
Classification: Uncertain significance. Last evaluated: 2026-09-06. Review status: criteria provided, single submitter. Criteria: GeneDx Variant Classification Process June 2021. Collection method: clinical testing. Allele origin: germline.
Comment: Has not been previously published as pathogenic or benign to our knowledge; Frameshift variant in which the last 28 amino acids are replaced with 33 different amino acids; Not observed at significant frequency in large population cohorts (gnomAD)